The following is an entry in ClinVar:

ClinVar aggregate classification (germline): Likely benign. Review status: criteria provided, multiple submitters, no conflicts (2 of 4 stars). 2 submissions from 2 submitters: Likely benign (2). Last evaluated 2025-11-03.

Conditions:
Charcot-Marie-Tooth disease type 2. Also called: Charcot-Marie-Tooth type 2. Identifiers: Orphanet 64746, MedGen C0270914, MONDO:0018993.

Allele frequency attached by ClinVar (database versions not stated): ESP Exome Variant Server 0.00025; TOPMed 0.00031; gnomAD exomes 0.00006; gnomAD 0.00037 and 0.00034; 1000 Genomes Project 0.00040; ExAC 0.00009; 1000 Genomes Project 30x 0.00047.

Submissions (2):

Labcorp Genetics (formerly Invitae), Labcorp
Classification: Likely benign for Charcot-Marie-Tooth disease type 2. Last evaluated: 2025-11-03. Review status: criteria provided, single submitter. Criteria: Invitae Variant Classification Sherloc (09022015). Collection method: clinical testing. Allele origin: germline.

GeneDx
Classification: Likely benign. Last evaluated: 2016-07-12. Review status: criteria provided, single submitter. Criteria: GeneDx Variant Classification (06012015). Collection method: clinical testing. Allele origin: germline. Affected: yes.
Comment: This variant is considered likely benign or benign based on one or more of the following criteria: it is a conservative change, it occurs at a poorly conserved position in the protein, it is predicted to be benign by multiple in silico algorithms, and/or has population frequency not consistent with disease.

NM_002047.4(GARS1):c.1032-15C>T

Gene: GARS1 (glycyl-tRNA synthetase 1; plus strand). Cytogenetic location: 7p14.3.
Variant type: single nucleotide variant.
Coding change: c.1032-15C>T on transcript NM_002047.4 (MANE Select); 15 bases into the intron before coding-DNA position 1032, C replaced by T.
Molecular consequence: intron variant.
Genome position (GRCh38, 1-based): chr7:30,615,881, C>T. VCF-style: chr7-30615881-C-T. GRCh37 (hg19) VCF-style: chr7-30655497-C-T.
Other names: c.1032-15C>T (LRG_243t1); c.870-15C>T (NM_001316772.1).
Identifiers: ClinVar variation 387138 (VCV000387138.9), dbSNP rs201868189, ClinGen allele CA4205884.